The following is an entry in ClinVar:

NM_001378969.1(KCND3):c.1492T>C (p.Leu498=)

Gene: KCND3 (potassium voltage-gated channel subfamily D member 3; minus strand). Cytogenetic location: 1p13.2.
Variant type: single nucleotide variant.
Coding change: c.1492T>C on transcript NM_001378969.1 (MANE Select); coding-DNA position 1492, T replaced by C.
Protein change: p.Leu498=; no amino-acid change (leucine 498 retained).
Molecular consequence: synonymous variant. On other transcripts: intron variant (2).
Genome position (GRCh38, 1-based): chr1:111,778,462, A>G on the plus strand (T>C on the coding strand, the complement: KCND3 is on the minus strand). VCF-style: chr1-111778462-A-G. GRCh37 (hg19) VCF-style: chr1-112321084-A-G.
Other names: c.1492T>C, p.Leu498= (NM_004980.5); c.1462-1189T>C (NM_001378970.1, NM_172198.3).
Identifiers: ClinVar variation 1647285 (VCV001647285.11), dbSNP rs762528364, ClinGen allele CA1007417.

ClinVar aggregate classification (germline): Conflicting classifications of pathogenicity. Review status: criteria provided, conflicting classifications (1 of 4 stars). 3 submissions from 3 submitters: Uncertain significance (1); Likely benign (2). Last evaluated 2022-04-11.

Conditions:
Spinocerebellar ataxia type 19/22 (SCA19). Also called: SPINOCEREBELLAR ATAXIA 22; SPINOCEREBELLAR ATAXIA 19. Identifiers: Orphanet 98772, MedGen C1846367, MONDO:0011819, OMIM 607346.
Cardiovascular phenotype. Identifiers: MedGen CN230736.

Allele frequency attached by ClinVar (database versions not stated): gnomAD 0.00001; gnomAD exomes 0.00001 and 0.00003; ExAC 0.00002; TOPMed 0.00003.
gnomAD v4.1: 19 of 1,614,062 alleles (0.0012%); highest among the groups gnomAD compares: Admixed American, 0.005%; no homozygotes.

Submissions (3):

GeneDx
Classification: Uncertain significance. Last evaluated: 2022-04-11. Review status: criteria provided, single submitter. Criteria: GeneDx Variant Classification Process June 2021. Collection method: clinical testing. Allele origin: germline. Affected: yes.
Comment: Has not been previously published as pathogenic or benign to our knowledge; In silico analysis supports that this variant does not alter splicing

Ambry Genetics
Classification: Likely benign for Cardiovascular phenotype. Last evaluated: 2021-12-02. Review status: criteria provided, single submitter. Criteria: Ambry Variant Classification Scheme 2023. Collection method: clinical testing. Allele origin: germline.

Labcorp Genetics (formerly Invitae), Labcorp
Classification: Likely benign for Spinocerebellar ataxia type 19/22. Last evaluated: 2021-08-24. Review status: criteria provided, single submitter. Criteria: Invitae Variant Classification Sherloc (09022015). Collection method: clinical testing. Allele origin: germline.